The following is an entry in ClinVar:

NM_001244008.2(KIF1A):c.1342-3C>T

Gene: KIF1A (kinesin family member 1A; minus strand). Cytogenetic location: 2q37.3.
Variant type: single nucleotide variant.
Coding change: c.1342-3C>T on transcript NM_001244008.2 (MANE Select); 3 bases into the intron before coding-DNA position 1342, C replaced by T.
Molecular consequence: intron variant.
Genome position (GRCh38, 1-based): chr2:240,769,709, G>A on the plus strand (C>T on the coding strand, the complement: KIF1A is on the minus strand). VCF-style: chr2-240769709-G-A. GRCh37 (hg19) VCF-style: chr2-241709126-G-A.
Other names: c.1315-3C>T (NM_001379653.1, NM_001379650.1, NM_001379645.1 and 10 more transcripts); c.1417-3C>T (NM_001379635.1, NM_001330290.2, NM_001379646.1 and 2 more transcripts); c.1390-3C>T (NM_001379637.1, NM_001379648.1); c.1342-3C>T (NM_001320705.2, NM_001379638.1, NM_001330289.2).
Identifiers: ClinVar variation 651849 (VCV000651849.3), dbSNP rs776860368, ClinGen allele CA2208424.
Genomic context (GRCh38, chr2:240,769,709, plus strand): 5'-TCCGCCGCAGCTTCTCCTCCCAGGTCTCATTGAGCTCAGCTATGATCTTCTCTGTTTCCT[G>A]GGGATTGAGGCAGAGCACAGTGAGCTGCCGGGGCTAGGGCCAAGGGAGAGGACAATGGAG-3'

ClinVar aggregate classification (germline): Uncertain significance (1 of 4 stars; one submission).

Conditions:
Neuropathy, hereditary sensory, type 2C. Also called: KIF1A-Related HSAN2 (HSAN2C); Hereditary sensory and autonomic neuropathy type IIC. Identifiers: Orphanet 970, MedGen C3280168, MONDO:0013634, OMIM 614213.
Intellectual disability, autosomal dominant 9 (NESCAVS). Also called: NESCAV SYNDROME; KIF1A-Related Neurodevelopmental Disorder. Identifiers: Orphanet 662367, MedGen C5393830, MONDO:0013656, OMIM 614255.
Hereditary spastic paraplegia 30. Identifiers: Orphanet 101010, MedGen C5235139, MONDO:0012476.

Allele frequency attached by ClinVar (database versions not stated): gnomAD exomes 0.00001 and 0.00002; ExAC 0.00004; TOPMed below 0.00001.
gnomAD v4.1: 7 of 1,612,972 alleles (0.00043%); highest among the groups gnomAD compares: Middle Eastern, 0.017%; no homozygotes.

Submission:

Labcorp Genetics (formerly Invitae), Labcorp
Classification: Uncertain significance for Hereditary spastic paraplegia 30; Neuropathy, hereditary sensory, type 2C; Intellectual disability, autosomal dominant 9. Last evaluated: 2025-11-17. Review status: criteria provided, single submitter. Criteria: Invitae Variant Classification Sherloc (09022015). Collection method: clinical testing. Allele origin: germline.
Comment: This sequence change falls in intron 13 of the KIF1A gene. It does not directly change the encoded amino acid sequence of the KIF1A protein. It affects a nucleotide within the consensus splice site. This variant is present in population databases (rs776860368, gnomAD 0.005%). This variant has not been reported in the literature in individuals affected with KIF1A-related conditions. ClinVar contains an entry for this variant (Variation ID: 651849). Variants that disrupt the consensus splice site are a relatively common cause of aberrant splicing (PMID: 17576681, 9536098). Algorithms developed to predict the effect of sequence changes on RNA splicing suggest that this variant is not likely to affect RNA splicing. In summary, the available evidence is currently insufficient to determine the role of this variant in disease. Therefore, it has been classified as a Variant of Uncertain Significance.

Literature cited by the submitters: PubMed 17576681; PubMed 9536098.